The following is an entry in ClinVar:

ClinVar aggregate classification (germline): Uncertain significance (1 of 4 stars; one submission).

Allele frequency attached by ClinVar (database versions not stated): gnomAD 0.00001 and 0.00002; gnomAD exomes 0.00001; TOPMed 0.00002; ExAC 0.00003; ESP Exome Variant Server 0.00008.
gnomAD v4.1: 10 of 1,607,258 alleles (0.00062%); highest among the groups gnomAD compares: African/African-American, 0.0043%; no homozygotes.

Submission:

Labcorp Genetics (formerly Invitae), Labcorp
Classification: Uncertain significance. Last evaluated: 2023-11-12. Review status: criteria provided, single submitter. Criteria: Invitae Variant Classification Sherloc (09022015). Collection method: clinical testing. Allele origin: germline.
Comment: This sequence change replaces arginine, which is basic and polar, with cysteine, which is neutral and slightly polar, at codon 992 of the ERBB4 protein (p.Arg992Cys). This variant is present in population databases (rs143134749, gnomAD 0.01%). This missense change has been observed in individual(s) with melanoma (PMID: 33378376). ClinVar contains an entry for this variant (Variation ID: 1408701). Advanced modeling of protein sequence and biophysical properties (such as structural, functional, and spatial information, amino acid conservation, physicochemical variation, residue mobility, and thermodynamic stability) performed at Invitae indicates that this missense variant is not expected to disrupt ERBB4 protein function with a negative predictive value of 80%. In summary, the available evidence is currently insufficient to determine the role of this variant in disease. Therefore, it has been classified as a Variant of Uncertain Significance.

Literature cited by the submitters: PubMed 33378376.

NM_005235.3(ERBB4):c.2974C>T (p.Arg992Cys)

Gene: ERBB4 (erb-b2 receptor tyrosine kinase 4; minus strand). Cytogenetic location: 2q34.
Variant type: single nucleotide variant.
Coding change: c.2974C>T on transcript NM_005235.3 (MANE Select); coding-DNA position 2974, C replaced by T.
Protein change: p.Arg992Cys; replaces arginine 992 with cysteine.
Molecular consequence: missense variant.
Genome position (GRCh38, 1-based): chr2:211,420,602, G>A on the plus strand (C>T on the coding strand, the complement: ERBB4 is on the minus strand). VCF-style: chr2-211420602-G-A. GRCh37 (hg19) VCF-style: chr2-212285327-G-A.
Other names: c.2974C>T, p.Arg992Cys (NM_001042599.2); short protein forms R992C.
Identifiers: ClinVar variation 1408701 (VCV001408701.6), dbSNP rs143134749, ClinGen allele CA2087564.